The following is an entry in ClinVar:

ClinVar aggregate classification (germline): Uncertain significance. Review status: criteria provided, multiple submitters, no conflicts (2 of 4 stars). 2 submissions from 2 submitters: Uncertain significance (2). Last evaluated 2025-09-22.

Allele frequency attached by ClinVar (database versions not stated): ExAC 0.00003; ESP Exome Variant Server 0.00008; TOPMed below 0.00001; gnomAD exomes 0.00001.
gnomAD v4.1: 12 of 1,602,572 alleles (0.00075%); highest among the groups gnomAD compares: South Asian, 0.0056%; no homozygotes.

Submissions (2):

Dasa
Classification: Uncertain significance. Last evaluated: 2025-09-22. Review status: criteria provided, single submitter. Criteria: DASA Assertion Criteria. Collection method: clinical testing. Allele origin: germline.
Comment: NM_001369268.1(ACAN):c.517C>T (p.Arg173Trp) is a missense variant that results in the substitution of arginine with tryptophan. This variant is rare in population databases. Computational prediction algorithms are consistent with a benign effect. The currently available literature and clinical evidence are not sufficient to establish a definitive association between this variant and the reported condition. Therefore, this variant is classified as a variant of uncertain significance.

Labcorp Genetics (formerly Invitae), Labcorp
Classification: Uncertain significance. Last evaluated: 2025-04-24. Review status: criteria provided, single submitter. Criteria: Invitae Variant Classification Sherloc (09022015). Collection method: clinical testing. Allele origin: germline.
Comment: This sequence change replaces arginine, which is basic and polar, with tryptophan, which is neutral and slightly polar, at codon 173 of the ACAN protein (p.Arg173Trp). The frequency data for this variant in the population databases is considered unreliable, as metrics indicate poor data quality at this position in the gnomAD database. This variant has not been reported in the literature in individuals affected with ACAN-related conditions. ClinVar contains an entry for this variant (Variation ID: 3011407). Invitae Evidence Modeling of protein sequence and biophysical properties (such as structural, functional, and spatial information, amino acid conservation, physicochemical variation, residue mobility, and thermodynamic stability) indicates that this missense variant is not expected to disrupt ACAN protein function with a negative predictive value of 80%. In summary, the available evidence is currently insufficient to determine the role of this variant in disease. Therefore, it has been classified as a Variant of Uncertain Significance.

NM_001369268.1(ACAN):c.517C>T (p.Arg173Trp)

Gene: ACAN (aggrecan; plus strand). Cytogenetic location: 15q26.1.
Variant type: single nucleotide variant.
Coding change: c.517C>T on transcript NM_001369268.1 (MANE Select); coding-DNA position 517, C replaced by T.
Protein change: p.Arg173Trp; replaces arginine 173 with tryptophan.
Molecular consequence: missense variant.
Genome position (GRCh38, 1-based): chr15:88,840,074, C>T. VCF-style: chr15-88840074-C-T. GRCh37 (hg19) VCF-style: chr15-89383305-C-T.
Other names: c.517C>T, p.Arg173Trp (NM_001135.4, NM_001411096.1, NM_001411097.1 and 1 more transcripts); short protein forms R173W.
Identifiers: ClinVar variation 3011407 (VCV003011407.5), dbSNP rs374211268, ClinGen allele CA7719255.
Genomic context (GRCh38, chr15:88,840,074, plus strand): 5'-ATCGTGTTCCATTACAGAGCCATCTCTACACGCTACACCCTCGACTTTGACAGGGCGCAG[C>T]GGGCCTGCCTGCAGAACAGTGCCATCATTGCCACGCCTGAGCAGCTGCAGGCCGCCTACG-3'
Protein context (NP_001356197.1, residues 163-183): RYTLDFDRAQ[Arg173Trp]ACLQNSAIIA